The following is an entry in ClinVar:

ClinVar aggregate classification (germline): Uncertain significance (1 of 4 stars; one submission).

Submission:

Labcorp Genetics (formerly Invitae), Labcorp
Classification: Uncertain significance. Last evaluated: 2024-07-05. Review status: criteria provided, single submitter. Criteria: Invitae Variant Classification Sherloc (09022015). Collection method: clinical testing. Allele origin: germline.
Comment: This sequence change affects codon 376 of the SRCAP mRNA. It is a 'silent' change, meaning that it does not change the encoded amino acid sequence of the SRCAP protein. This variant is not present in population databases (gnomAD no frequency). This variant has not been reported in the literature in individuals affected with SRCAP-related conditions. Algorithms developed to predict the effect of sequence changes on RNA splicing suggest that this variant may disrupt the consensus splice site. In summary, the available evidence is currently insufficient to determine the role of this variant in disease. Therefore, it has been classified as a Variant of Uncertain Significance.

NM_006662.3(SRCAP):c.1128G>A (p.Val376=)

Gene: SRCAP (Snf2 related CREBBP activator protein; plus strand). Cytogenetic location: 16p11.2.
Variant type: single nucleotide variant.
Coding change: c.1128G>A on transcript NM_006662.3 (MANE Select); coding-DNA position 1128, G replaced by A.
Protein change: p.Val376=; no amino-acid change (valine 376 retained).
Molecular consequence: synonymous variant.
Genome position (GRCh38, 1-based): chr16:30,710,122, G>A. VCF-style: chr16-30710122-G-A. GRCh37 (hg19) VCF-style: chr16-30721443-G-A.
Identifiers: ClinVar variation 3658826 (VCV003658826.2).